The following is an entry in ClinVar:

ClinVar aggregate classification (germline): Pathogenic (1 of 4 stars; one submission).

Allele frequency attached by ClinVar (database versions not stated): gnomAD exomes below 0.00001.
gnomAD v4.1: 1 of 1,614,070 alleles (0.000062%); highest among the groups gnomAD compares: Non-Finnish European, 0.000085%; no homozygotes.

Submission:

Labcorp Genetics (formerly Invitae), Labcorp
Classification: Pathogenic. Last evaluated: 2022-07-11. Review status: criteria provided, single submitter. Criteria: Invitae Variant Classification Sherloc (09022015). Collection method: clinical testing. Allele origin: germline.
Comment: For these reasons, this variant has been classified as Pathogenic. Algorithms developed to predict the effect of sequence changes on RNA splicing suggest that this variant may disrupt the consensus splice site. ClinVar contains an entry for this variant (Variation ID: 1453861). This variant has not been reported in the literature in individuals affected with GFM1-related conditions. This variant is not present in population databases (gnomAD no frequency). This sequence change creates a premature translational stop signal (p.Gln612*) in the GFM1 gene. It is expected to result in an absent or disrupted protein product. Loss-of-function variants in GFM1 are known to be pathogenic (PMID: 16632485, 17160893).

Literature cited by the submitters: PubMed 16632485; PubMed 17160893.

NM_024996.7(GFM1):c.1834C>T (p.Gln612Ter)

Gene: GFM1 (G elongation factor mitochondrial 1; plus strand). Cytogenetic location: 3q25.32.
Variant type: single nucleotide variant.
Coding change: c.1834C>T on transcript NM_024996.7 (MANE Select); coding-DNA position 1834, C replaced by T.
Protein change: p.Gln612Ter; replaces glutamine 612 with a stop codon.
Molecular consequence: nonsense. On other transcripts: non-coding transcript variant (2).
Genome position (GRCh38, 1-based): chr3:158,684,593, C>T. VCF-style: chr3-158684593-C-T. GRCh37 (hg19) VCF-style: chr3-158402382-C-T.
Other names: c.1891C>T, p.Gln631Ter (NM_001308164.2); c.1753C>T, p.Gln585Ter (NM_001374355.1); c.1717C>T, p.Gln573Ter (NM_001374356.1); c.1609C>T, p.Gln537Ter (NM_001374357.1); c.1375C>T, p.Gln459Ter (NM_001374358.1); c.1267C>T, p.Gln423Ter (NM_001374359.1, NM_001374360.1); c.1150C>T, p.Gln384Ter (NM_001374361.1); short protein forms Q384*, Q573*, Q585*, Q459*, Q537*, Q631*, Q612*, Q423*.
Identifiers: ClinVar variation 1453861 (VCV001453861.6), dbSNP rs2108102670, ClinGen allele CA355182057.